The following is an entry in ClinVar:

ClinVar aggregate classification (germline): Uncertain significance (1 of 4 stars; one submission).

gnomAD v4.1: 2 of 1,613,964 alleles (0.00012%); no homozygotes.

Submission:

Ambry Genetics
Classification: Uncertain significance. Last evaluated: 2025-04-03. Review status: criteria provided, single submitter. Criteria: Ambry Variant Classification Scheme 2023. Collection method: clinical testing. Allele origin: germline.
Comment: The p.S380T variant (also known as c.1139G>C), located in coding exon 6 of the GFI1 gene, results from a G to C substitution at nucleotide position 1139. The serine at codon 380 is replaced by threonine, an amino acid with similar properties. This amino acid position is conserved. In addition, this alteration is predicted to be tolerated by in silico analysis. Based on the available evidence, the clinical significance of this variant remains unclear.

NM_005263.5(GFI1):c.1139G>C (p.Ser380Thr)

Genes: GFI1 (growth factor independent 1 transcriptional repressor; minus strand), LOC129930930 (ATAC-STARR-seq lymphoblastoid active region 1314; plus strand). Cytogenetic location: 1p22.1.
Variant type: single nucleotide variant.
Coding change: c.1139G>C on transcript NM_005263.5 (MANE Select); coding-DNA position 1139, G replaced by C.
Protein change: p.Ser380Thr; replaces serine 380 with threonine.
Molecular consequence: missense variant.
Genome position (GRCh38, 1-based): chr1:92,476,159, C>G on the plus strand (G>C on the coding strand, the complement: GFI1 is on the minus strand). VCF-style: chr1-92476159-C-G. GRCh37 (hg19) VCF-style: chr1-92941716-C-G.
Other names: c.1139G>C, p.Ser380Thr (NM_001127215.3, NM_001127216.3); short protein forms S380T.
Identifiers: ClinVar variation 4029379 (VCV004029379.1).
Genomic context (GRCh38, chr1:92,476,159, plus strand): 5'-AGGTCGCAGCCGAAGGGCTTGAAGCCTGTGTGTTTGCGGCTGTGGGTGATGAGGTTGGAG[C>G]TCTGGCTGAATGCCTTGCCGCACACCTGGCACTTGTGAGGCTTCTCACCTGTGGGGATGG-3'
Protein context (NP_005254.2, residues 370-390): CQVCGKAFSQ[Ser380Thr]SNLITHSRKH